The following is an entry in ClinVar:

ClinVar aggregate classification (germline): Likely benign (1 of 4 stars; one submission).

gnomAD v4.1: 6 of 1,614,038 alleles (0.00037%); highest among the groups gnomAD compares: African/African-American, 0.0027%; no homozygotes.

Submission:

CeGaT Center for Human Genetics Tuebingen
Classification: Likely benign. Last evaluated: 2025-09-01. Review status: criteria provided, single submitter. Criteria: CeGaT Center For Human Genetics Tuebingen Variant Classification Criteria Version 2. Collection method: clinical testing. Allele origin: germline. Affected: yes. Observed: 1 variant allele.
Comment: NEIL2: BP4, BP7

NM_145043.4(NEIL2):c.795G>A (p.Val265=)

Gene: NEIL2 (nei like DNA glycosylase 2). Cytogenetic location: 8p23.1.
Variant type: single nucleotide variant.
Coding change: c.795G>A on transcript NM_145043.4 (MANE Select); coding-DNA position 795, G replaced by A.
Protein change: p.Val265=; no amino-acid change (valine 265 retained).
Molecular consequence: synonymous variant. On other transcripts: non-coding transcript variant (3).
Genome position (GRCh38, 1-based): chr8:11,786,069, G>A. VCF-style: chr8-11786069-G-A. GRCh37 (hg19) VCF-style: chr8-11643578-G-A.
Other names: c.795G>A, p.Val265= (NM_001135746.3, NM_001349442.2); c.612G>A, p.Val204= (NM_001135747.3, NM_001349439.2, NM_001349440.2 and 1 more transcripts); c.447G>A, p.Val149= (NM_001135748.3).
Identifiers: ClinVar variation 4281490 (VCV004281490.7).